The following is an entry in ClinVar:

NM_000260.4(MYO7A):c.549G>A (p.Ser183=)

Gene: MYO7A (myosin VIIA; plus strand). Cytogenetic location: 11q13.5.
Variant type: single nucleotide variant.
Coding change: c.549G>A on transcript NM_000260.4 (MANE Select); coding-DNA position 549, G replaced by A.
Protein change: p.Ser183=; no amino-acid change (serine 183 retained).
Molecular consequence: synonymous variant.
Genome position (GRCh38, 1-based): chr11:77,156,738, G>A. VCF-style: chr11-77156738-G-A. GRCh37 (hg19) VCF-style: chr11-76867784-G-A.
Other names: c.549G>A, p.Ser183= (NM_001127180.2); c.516G>A, p.Ser172= (NM_001369365.1).
Identifiers: ClinVar variation 306160 (VCV000306160.45), dbSNP rs188198404, ClinGen allele CA6197167.
Genomic context (GRCh38, chr11:77,156,738, plus strand): 5'-GAAGACGGAGAGCACAAAGCTGATCCTGCAGTTCCTGGCAGCCATCAGTGGGCAGCACTC[G>A]TGGATTGAGCAGCAGGTCTTGGAGGCCACCCCCATTCTGGAAGGTAGGACCAGAGTTCCG-3'
Protein context (NP_000251.3, residues 173-193): QFLAAISGQH[Ser183=]WIEQQVLEAT

ClinVar aggregate classification (germline): Conflicting classifications of pathogenicity. Review status: criteria provided, conflicting classifications (1 of 4 stars). 11 submissions from 7 submitters: Uncertain significance (5); Likely benign (5). 1 of the submissions does not count toward it. Last evaluated 2026-06-04.

Conditions:
Usher syndrome type 1 (USH1). Also called: RETINITIS PIGMENTOSA AND CONGENITAL DEAFNESS. Identifiers: Orphanet 231169, Orphanet 886, MedGen C1568247, MONDO:0010168, OMIM 276900.
MYO7A-related disorder. Also called: MYO7A-related disorders.
Autosomal dominant nonsyndromic hearing loss 11. Identifiers: Orphanet 90635, MedGen C1832475, MONDO:0011032, OMIM 601317.
Usher syndrome type 1B (USH1B). Also called: Usher syndrome type IB. Identifiers: MedGen C1848638, MONDO:0700087.
Autosomal recessive nonsyndromic hearing loss 2. Also called: NEUROSENSORY NONSYNDROMIC RECESSIVE DEAFNESS 2; DEAFNESS, AUTOSOMAL RECESSIVE 2. Identifiers: Orphanet 90636, MedGen C1838701, MONDO:0010807, OMIM 600060.

Allele frequency attached by ClinVar (database versions not stated): ESP Exome Variant Server 0.00008; gnomAD 0.00009; TOPMed 0.00015; 1000 Genomes Project 0.00040; 1000 Genomes Project 30x 0.00047.
gnomAD v4.1: 287 of 1,614,020 alleles (0.018%); highest among the groups gnomAD compares: Middle Eastern, 0.2%; no homozygotes.

Submissions (11):

PreventionGenetics, part of Exact Sciences
Classification: Likely benign for MYO7A-related condition. Last evaluated: 2026-06-04. Review status: criteria provided, single submitter. Criteria: ACMG Guidelines, 2015. Collection method: clinical testing. Allele origin: germline.
Comment: This variant is classified as likely benign based on ACMG/AMP sequence variant interpretation guidelines (Richards et al. 2015 PMID: 25741868, with internal and published modifications).

Labcorp Genetics (formerly Invitae), Labcorp
Classification: Likely benign. Last evaluated: 2026-01-28. Review status: criteria provided, single submitter. Criteria: Invitae Variant Classification Sherloc (09022015). Collection method: clinical testing. Allele origin: germline.

CeGaT Center for Human Genetics Tuebingen
Classification: Likely benign. Last evaluated: 2025-03-01. Review status: criteria provided, single submitter. Criteria: CeGaT Center For Human Genetics Tuebingen Variant Classification Criteria Version 2. Collection method: clinical testing. Allele origin: germline. Affected: yes. Observed: 2 variant alleles.
Comment: MYO7A: BP4, BP7

Blueprint Genetics
Classification: Likely benign. Last evaluated: 2024-11-01. Review status: criteria provided, single submitter. Criteria: ACMG Guidelines, 2015. Collection method: clinical testing. Allele origin: germline.

Genome-Nilou Lab
Classification: Uncertain significance for Autosomal dominant nonsyndromic hearing loss 11. Last evaluated: 2021-07-14. Review status: criteria provided, single submitter. Criteria: ACMG Guidelines, 2015. Collection method: clinical testing. Allele origin: germline. Affected: no.

Genome-Nilou Lab
Classification: Uncertain significance for Autosomal recessive nonsyndromic hearing loss 2. Last evaluated: 2021-07-14. Review status: criteria provided, single submitter. Criteria: ACMG Guidelines, 2015. Collection method: clinical testing. Allele origin: germline. Affected: no.

Genome-Nilou Lab
Classification: Likely benign for Usher syndrome type 1. Last evaluated: 2021-05-18. Review status: criteria provided, single submitter. Criteria: ACMG Guidelines, 2015. Collection method: clinical testing. Allele origin: germline. Affected: no.

Illumina Laboratory Services, Illumina
Classification: Uncertain significance for Autosomal dominant nonsyndromic hearing loss 11. Last evaluated: 2018-01-13. Review status: criteria provided, single submitter. Criteria: ICSL Variant Classification Criteria 13 December 2019. Collection method: clinical testing. Allele origin: germline.

Illumina Laboratory Services, Illumina
Classification: Uncertain significance for Usher syndrome type 1. Last evaluated: 2018-01-13. Review status: criteria provided, single submitter. Criteria: ICSL Variant Classification Criteria 13 December 2019. Collection method: clinical testing. Allele origin: germline.

Illumina Laboratory Services, Illumina
Classification: Uncertain significance for Autosomal recessive nonsyndromic hearing loss 2. Last evaluated: 2018-01-13. Review status: criteria provided, single submitter. Criteria: ICSL Variant Classification Criteria 13 December 2019. Collection method: clinical testing. Allele origin: germline.

Natera, Inc.
Classification: Likely benign for Usher syndrome type 1B. Last evaluated: 2020-04-16. Review status: no assertion criteria provided. Collection method: clinical testing. Allele origin: germline. Not counted in ClinVar's aggregate classification.